The following is an entry in ClinVar:

NM_199420.4(POLQ):c.1474A>T (p.Ser492Cys)

Gene: POLQ (DNA polymerase theta; minus strand). Cytogenetic location: 3q13.33.
Variant type: single nucleotide variant.
Coding change: c.1474A>T on transcript NM_199420.4 (MANE Select); coding-DNA position 1474, A replaced by T.
Protein change: p.Ser492Cys; replaces serine 492 with cysteine.
Molecular consequence: missense variant.
Genome position (GRCh38, 1-based): chr3:121,512,024, T>A on the plus strand (A>T on the coding strand, the complement: POLQ is on the minus strand). VCF-style: chr3-121512024-T-A. GRCh37 (hg19) VCF-style: chr3-121230871-T-A.
Other names: short protein forms S492C.
Identifiers: ClinVar variation 1773434 (VCV001773434.2), dbSNP rs1268043078, ClinGen allele CA354116409.

ClinVar aggregate classification (germline): Uncertain significance (1 of 4 stars; one submission).

Allele frequency attached by ClinVar (database versions not stated): gnomAD exomes 0.00001; TOPMed 0.00001.
gnomAD v4.1: 3 of 1,612,030 alleles (0.00019%); highest among the groups gnomAD compares: Admixed American, 0.005%; no homozygotes.

Submission:

Ambry Genetics
Classification: Uncertain significance. Last evaluated: 2024-03-10. Review status: criteria provided, single submitter. Criteria: Ambry Variant Classification Scheme 2023. Collection method: clinical testing. Allele origin: germline.
Comment: The p.S492C variant (also known as c.1474A>T), located in coding exon 10 of the POLQ gene, results from an A to T substitution at nucleotide position 1474. The serine at codon 492 is replaced by cysteine, an amino acid with dissimilar properties. This amino acid position is conserved. In addition, the in silico prediction for this alteration is inconclusive. Since supporting evidence is limited at this time, the clinical significance of this alteration remains unclear.